The following is an entry in ClinVar:

NM_001083614.2(EARS2):c.1071G>A (p.Leu357=)

Gene: EARS2 (glutamyl-tRNA synthetase 2, mitochondrial; minus strand). Cytogenetic location: 16p12.2.
Variant type: single nucleotide variant.
Coding change: c.1071G>A on transcript NM_001083614.2 (MANE Select); coding-DNA position 1071, G replaced by A.
Protein change: p.Leu357=; no amino-acid change (leucine 357 retained).
Molecular consequence: synonymous variant. On other transcripts: non-coding transcript variant (1).
Genome position (GRCh38, 1-based): chr16:23,529,894, C>T on the plus strand (G>A on the coding strand, the complement: EARS2 is on the minus strand). VCF-style: chr16-23529894-C-T. GRCh37 (hg19) VCF-style: chr16-23541215-C-T.
Other names: c.1071G>A, p.Leu357= (NM_001308211.1).
Identifiers: ClinVar variation 318547 (VCV000318547.7), dbSNP rs769677259, ClinGen allele CA7962411.
Genomic context (GRCh38, chr16:23,529,894, plus strand): 5'-CTGCAGCTTCCCCACCAGCTGGCGCCTCTGGCTCTCATTGCTCACCAGCCGCTGGAGGTG[C>T]AGTCTGCGGAAGAAATCAAGGGGCTGCCCTGCTGTCAACACCCCAACCCACCCAAACCGT-3'
Protein context (NP_001077083.1, residues 347-367): DLEKLPEFNR[Leu357=]HLQRLVSNES

ClinVar aggregate classification (germline): Conflicting classifications of pathogenicity. Review status: criteria provided, conflicting classifications (1 of 4 stars). 3 submissions from 3 submitters: Uncertain significance (2); Likely benign (1). Last evaluated 2025-03-13.

Conditions:
Leukoencephalopathy-thalamus and brainstem anomalies-high lactate syndrome. Also called: LEUKOENCEPHALOPATHY WITH THALAMUS AND BRAINSTEM INVOLVEMENT AND HIGH LACTATE; Combined oxidative phosphorylation deficiency 12. Identifiers: Orphanet 314051, MedGen C4706421, MONDO:0013971, OMIM 614924.

Allele frequency attached by ClinVar (database versions not stated): gnomAD exomes 0.00001; ExAC 0.00002; gnomAD 0.00002; TOPMed 0.00003.
gnomAD v4.1: 17 of 1,613,906 alleles (0.0011%); highest among the groups gnomAD compares: African/African-American, 0.0027%; no homozygotes.

Submissions (3):

Labcorp Genetics (formerly Invitae), Labcorp
Classification: Likely benign. Last evaluated: 2025-03-13. Review status: criteria provided, single submitter. Criteria: Invitae Variant Classification Sherloc (09022015). Collection method: clinical testing. Allele origin: germline.

GeneDx
Classification: Uncertain significance. Last evaluated: 2024-02-26. Review status: criteria provided, single submitter. Criteria: GeneDx Variant Classification Process June 2021. Collection method: clinical testing. Allele origin: germline. Affected: yes.
Comment: Not observed at significant frequency in large population cohorts (gnomAD); In silico analysis supports that this variant does not alter splicing; Has not been previously published as pathogenic or benign to our knowledge

Illumina Laboratory Services, Illumina
Classification: Uncertain significance for Leukoencephalopathy-thalamus and brainstem anomalies-high lactate syndrome. Last evaluated: 2018-01-12. Review status: criteria provided, single submitter. Criteria: ICSL Variant Classification Criteria 13 December 2019. Collection method: clinical testing. Allele origin: germline.